The following is an entry in ClinVar:

ClinVar aggregate classification (germline): Benign. Review status: criteria provided, multiple submitters, no conflicts (2 of 4 stars). 3 submissions from 3 submitters: Benign (2). 1 of the submissions does not count toward it. Last evaluated 2018-06-06.

Conditions:
LRP8-related disorder. Also called: LRP8-related condition.

Allele frequency attached by ClinVar (database versions not stated): 1000 Genomes Project 30x 0.00031; ESP Exome Variant Server 0.00085; TOPMed 0.00086; gnomAD 0.00271.
gnomAD v4.1: 2,044 of 1,612,588 alleles (0.13%); highest among the groups gnomAD compares: Non-Finnish European, 0.12%; 6 homozygotes.

Submissions (3):

Labcorp Genetics (formerly Invitae), Labcorp
Classification: Benign. Last evaluated: 2018-06-06. Review status: criteria provided, single submitter. Criteria: Invitae Variant Classification Sherloc (09022015). Collection method: clinical testing. Allele origin: germline.

Breakthrough Genomics
Classification: Benign. Review status: criteria provided, single submitter. Criteria: ACMG Guidelines, 2015. Collection method: not provided. Allele origin: germline. Inheritance: Unknown mechanism. Affected: yes.

PreventionGenetics, part of Exact Sciences
Classification: Benign for LRP8-related condition. Last evaluated: 2019-06-05. Review status: no assertion criteria provided. Collection method: clinical testing. Allele origin: germline. Not counted in ClinVar's aggregate classification.
Comment: This variant is classified as benign based on ACMG/AMP sequence variant interpretation guidelines (Richards et al. 2015 PMID: 25741868, with internal and published modifications).

NM_004631.5(LRP8):c.483C>G (p.Ala161=)

Gene: LRP8 (LDL receptor related protein 8; minus strand). Cytogenetic location: 1p32.3.
Variant type: single nucleotide variant.
Coding change: c.483C>G on transcript NM_004631.5 (MANE Select); coding-DNA position 483, C replaced by G.
Protein change: p.Ala161=; no amino-acid change (alanine 161 retained).
Molecular consequence: synonymous variant.
Genome position (GRCh38, 1-based): chr1:53,280,600, G>C on the plus strand (C>G on the coding strand, the complement: LRP8 is on the minus strand). VCF-style: chr1-53280600-G-C. GRCh37 (hg19) VCF-style: chr1-53746272-G-C.
Other names: c.483C>G, p.Ala161= (NM_001018054.3, NM_017522.5, NM_033300.4).
Identifiers: ClinVar variation 726633 (VCV000726633.6), dbSNP rs148468730, ClinGen allele CA860411.